The following is an entry in ClinVar:

NM_001378743.1(CYLD):c.1477C>T (p.Gln493Ter)

Gene: CYLD (CYLD lysine 63 deubiquitinase; plus strand). Cytogenetic location: 16q12.1.
Variant type: single nucleotide variant.
Coding change: c.1477C>T on transcript NM_001378743.1 (MANE Select); coding-DNA position 1477, C replaced by T.
Protein change: p.Gln493Ter; replaces glutamine 493 with a stop codon.
Molecular consequence: nonsense. On other transcripts: non-coding transcript variant (1).
Genome position (GRCh38, 1-based): chr16:50,780,003, C>T. VCF-style: chr16-50780003-C-T. GRCh37 (hg19) VCF-style: chr16-50813914-C-T.
Other names: c.1468C>T, p.Gln490Ter (NM_001042355.2, NM_001042412.3, NM_001378744.1 and 6 more transcripts); c.1438C>T, p.Gln480Ter (NM_001378751.1, NM_001378752.1, NM_001378753.1); c.802C>T, p.Gln268Ter (NM_001378754.1, NM_001378755.1); c.1477C>T, p.Gln493Ter (NM_015247.3); short protein forms Q480*, Q268*, Q493*, Q490*.
Identifiers: ClinVar variation 4718639 (VCV004718639.1).

ClinVar aggregate classification (germline): Pathogenic (1 of 4 stars; one submission).

Submission:

Labcorp Genetics (formerly Invitae), Labcorp
Classification: Pathogenic. Last evaluated: 2025-04-30. Review status: criteria provided, single submitter. Criteria: Invitae Variant Classification Sherloc (09022015). Collection method: clinical testing. Allele origin: germline.
Comment: This sequence change creates a premature translational stop signal (p.Gln493*) in the CYLD gene. It is expected to result in an absent or disrupted protein product. Loss-of-function variants in CYLD are known to be pathogenic (PMID: 19462465). This variant is not present in population databases (gnomAD no frequency). This variant has not been reported in the literature in individuals affected with CYLD-related conditions. For these reasons, this variant has been classified as Pathogenic.

Literature cited by the submitters: PubMed 19462465.